The following is an entry in ClinVar:

ClinVar aggregate classification (germline): Pathogenic/Likely pathogenic. Review status: criteria provided, multiple submitters, no conflicts (2 of 4 stars). 2 submissions from 2 submitters: Pathogenic (1); Likely pathogenic (1). Last evaluated 2022-03-08.

Conditions:
Paragangliomas with sensorineural hearing loss. Identifiers: MedGen C1868633.
Pheochromocytoma. Also called: MAX-Related Hereditary Paraganglioma-Pheochromocytoma Syndrome. Identifiers: Orphanet 29072, MedGen C0031511, MONDO:0008233, OMIM 171300, HP:0002666.
Carney-Stratakis syndrome. Also called: PARAGANGLIOMA AND GASTROINTESTINAL STROMAL TUMOR. Identifiers: Orphanet 97286, MedGen C1847319, MONDO:0011740, OMIM 606864.
Cowden syndrome 3 (CWS3). Identifiers: Orphanet 201, MedGen CN166604, MONDO:0014045.

Submissions (2):

Labcorp Genetics (formerly Invitae), Labcorp
Classification: Pathogenic for Carney-Stratakis syndrome; Paragangliomas with sensorineural hearing loss; Pheochromocytoma; Cowden syndrome 3. Last evaluated: 2022-03-08. Review status: criteria provided, single submitter. Criteria: Invitae Variant Classification Sherloc (09022015). Collection method: clinical testing. Allele origin: germline.
Comment: For these reasons, this variant has been classified as Pathogenic. Algorithms developed to predict the effect of sequence changes on RNA splicing suggest that this variant may create or strengthen a splice site. This variant has not been reported in the literature in individuals affected with SDHD-related conditions. This variant is not present in population databases (gnomAD no frequency). This sequence change creates a premature translational stop signal (p.Ile40Thrfs*30) in the SDHD gene. It is expected to result in an absent or disrupted protein product. Loss-of-function variants in SDHD are known to be pathogenic (PMID: 19454582, 19802898).

Institute of Medical Genetics and Applied Genomics, University Hospital Tübingen
Classification: Likely pathogenic. Last evaluated: 2020-10-23. Review status: criteria provided, single submitter. Criteria: ACMG Guidelines, 2015. Collection method: clinical testing. Allele origin: germline. Inheritance: Unknown mechanism. Affected: yes.

Literature cited by the submitters: PubMed 19454582 (cited by Labcorp Genetics (formerly Invitae), Labcorp); PubMed 19802898 (cited by Labcorp Genetics (formerly Invitae), Labcorp).

NM_003002.4(SDHD):c.113_116dup (p.Ile40fs)

Gene: SDHD (succinate dehydrogenase complex subunit D; plus strand). Cytogenetic location: 11q23.1.
Variant type: Microsatellite.
Coding change: c.113_116dup on transcript NM_003002.4 (MANE Select); coding-DNA positions 113 to 116, 4 bases duplicated (GACC; older notation c.113_116dupGACC).
Protein change: p.Ile40fs; shifts the reading frame from isoleucine 40.
Molecular consequence: frameshift variant. On other transcripts: non-coding transcript variant (1), intron variant (1).
Genome position (GRCh38, 1-based): chr11:112,087,917-112,087,920, GACC duplicated; duplicating any 4 consecutive bases within chr11:112,087,913-112,087,920 gives the same sequence; the c. name uses the placement nearest the transcript's 3' end. VCF-style (leftmost placement, unchanged base first): chr11-112087912-G-GGACC. GRCh37 (hg19) VCF-style: chr11-111958636-G-GGACC.
Other names: c.113_116dup, p.Ile40fs (NM_001276503.2, NM_001276506.2); c.52+954GACC[3] (NM_001276504.2); short protein forms I40fs.
Identifiers: ClinVar variation 986848 (VCV000986848.10), dbSNP rs1865654197, ClinGen allele CA2000560922.